The following is an entry in ClinVar:

NM_002474.3(MYH11):c.2924C>A (p.Thr975Lys)

Gene: MYH11 (myosin heavy chain 11; minus strand). Cytogenetic location: 16p13.11.
Variant type: single nucleotide variant.
Coding change: c.2924C>A on transcript NM_002474.3 (MANE Select); coding-DNA position 2924, C replaced by A.
Protein change: p.Thr975Lys; replaces threonine 975 with lysine.
Molecular consequence: missense variant.
Genome position (GRCh38, 1-based): chr16:15,740,124, G>T on the plus strand (C>A on the coding strand, the complement: MYH11 is on the minus strand). VCF-style: chr16-15740124-G-T. GRCh37 (hg19) VCF-style: chr16-15833981-G-T.
Other names: c.2945C>A, p.Thr982Lys (NM_001040113.2, NM_001040114.2); c.2924C>A, p.Thr975Lys (NM_022844.3); short protein forms T975K, T982K.
Identifiers: ClinVar variation 3400637 (VCV003400637.1).

ClinVar aggregate classification (germline): Uncertain significance (1 of 4 stars; one submission).

Conditions:
Familial thoracic aortic aneurysm and aortic dissection (TAAD). Also called: Thoracic aortic aneurysms and dissections. Identifiers: Orphanet 91387, MedGen C4707243, MONDO:0019625.

Submission:

Ambry Genetics
Classification: Uncertain significance for Familial thoracic aortic aneurysm and aortic dissection. Last evaluated: 2024-10-07. Review status: criteria provided, single submitter. Criteria: Ambry Variant Classification Scheme 2023. Collection method: clinical testing. Allele origin: germline.
Comment: The p.T975K variant (also known as c.2924C>A), located in coding exon 22 of the MYH11 gene, results from a C to A substitution at nucleotide position 2924. The threonine at codon 975 is replaced by lysine, an amino acid with similar properties. This amino acid position is conserved. In addition, the in silico prediction for this alteration is inconclusive. Based on the available evidence, the clinical significance of this variant remains unclear.